The following is an entry in ClinVar:

NM_016122.3(CEP83):c.499G>T (p.Glu167Ter)

Gene: CEP83 (centrosomal protein 83; minus strand). Cytogenetic location: 12q22.
Variant type: single nucleotide variant.
Coding change: c.499G>T on transcript NM_016122.3 (MANE Select); coding-DNA position 499, G replaced by T.
Protein change: p.Glu167Ter; replaces glutamic acid 167 with a stop codon.
Molecular consequence: nonsense. On other transcripts: non-coding transcript variant (3), intron variant (2).
Genome position (GRCh38, 1-based): chr12:94,400,900, C>A on the plus strand (G>T on the coding strand, the complement: CEP83 is on the minus strand). VCF-style: chr12-94400900-C-A. GRCh37 (hg19) VCF-style: chr12-94794676-C-A.
Other names: c.499G>T, p.Glu167Ter (NM_001042399.2, NM_001346457.2, NM_001346460.2 and 3 more transcripts); c.187G>T, p.Glu63Ter (NM_001346458.2, NM_001346459.2, NM_001346462.2 and 2 more transcripts); c.324+10797G>T (NM_001368041.1); c.12+10797G>T (NM_001368042.1); short protein forms E167*, E63*.
Identifiers: ClinVar variation 1453375 (VCV001453375.6), dbSNP rs2137575733, ClinGen allele CA386143055.

ClinVar aggregate classification (germline): Pathogenic (1 of 4 stars; one submission).

Conditions:
Nephronophthisis 18 (NPHP18). Identifiers: Orphanet 655, MedGen C3890591, MONDO:0014374, OMIM 615862.

Submission:

Labcorp Genetics (formerly Invitae), Labcorp
Classification: Pathogenic for Nephronophthisis 18. Last evaluated: 2024-11-05. Review status: criteria provided, single submitter. Criteria: Invitae Variant Classification Sherloc (09022015). Collection method: clinical testing. Allele origin: germline.
Comment: This sequence change creates a premature translational stop signal (p.Glu167*) in the CEP83 gene. It is expected to result in an absent or disrupted protein product. Loss-of-function variants in CEP83 are known to be pathogenic (PMID: 23530209, 24882706). This variant is not present in population databases (gnomAD no frequency). This variant has not been reported in the literature in individuals affected with CEP83-related conditions. ClinVar contains an entry for this variant (Variation ID: 1453375). For these reasons, this variant has been classified as Pathogenic.

Literature cited by the submitters: PubMed 23530209; PubMed 24882706.